The following is an entry in ClinVar:

ClinVar aggregate classification (germline): Uncertain significance (1 of 4 stars; one submission).

Conditions:
Charcot-Marie-Tooth disease type 2. Also called: Charcot-Marie-Tooth type 2. Identifiers: Orphanet 64746, MedGen C0270914, MONDO:0018993.

Allele frequency attached by ClinVar (database versions not stated): gnomAD exomes below 0.00001; TOPMed below 0.00001.
gnomAD v4.1: 1 of 1,613,888 alleles (0.000062%); highest among the groups gnomAD compares: African/African-American, 0.0013%; no homozygotes.

Submission:

Labcorp Genetics (formerly Invitae), Labcorp
Classification: Uncertain significance for Charcot-Marie-Tooth disease type 2. Last evaluated: 2022-09-20. Review status: criteria provided, single submitter. Criteria: Invitae Variant Classification Sherloc (09022015). Collection method: clinical testing. Allele origin: germline.
Comment: This sequence change replaces serine, which is neutral and polar, with phenylalanine, which is neutral and non-polar, at codon 232 of the GARS protein (p.Ser232Phe). This variant is not present in population databases (gnomAD no frequency). This variant has not been reported in the literature in individuals affected with GARS-related conditions. Advanced modeling of protein sequence and biophysical properties (such as structural, functional, and spatial information, amino acid conservation, physicochemical variation, residue mobility, and thermodynamic stability) has been performed at Invitae for this missense variant, however the output from this modeling did not meet the statistical confidence thresholds required to predict the impact of this variant on GARS protein function. In summary, the available evidence is currently insufficient to determine the role of this variant in disease. Therefore, it has been classified as a Variant of Uncertain Significance.

NM_002047.4(GARS1):c.695C>T (p.Ser232Phe)

Gene: GARS1 (glycyl-tRNA synthetase 1; plus strand). Cytogenetic location: 7p14.3.
Variant type: single nucleotide variant.
Coding change: c.695C>T on transcript NM_002047.4 (MANE Select); coding-DNA position 695, C replaced by T.
Protein change: p.Ser232Phe; replaces serine 232 with phenylalanine.
Molecular consequence: missense variant.
Genome position (GRCh38, 1-based): chr7:30,603,532, C>T. VCF-style: chr7-30603532-C-T. GRCh37 (hg19) VCF-style: chr7-30643148-C-T.
Other names: c.533C>T, p.Ser178Phe (NM_001316772.1); short protein forms S178F, S232F.
Identifiers: ClinVar variation 1957973 (VCV001957973.5), dbSNP rs1791422922, ClinGen allele CA367139948.